The following is an entry in ClinVar:

ClinVar aggregate classification (germline): Uncertain significance (1 of 4 stars; one submission).

Conditions:
Mucopolysaccharidosis, MPS-II (MPS2). Also called: Attenuated MPS (subtype; formerly known as mild MPS II); Severe MPS II; I2S deficiency; MPS 2; Hunter Syndrome; IDURONATE 2-SULFATASE DEFICIENCY. Identifiers: Orphanet 580, Orphanet 79388, MedGen C0026705, MONDO:0010674, OMIM 309900.

Submission:

Labcorp Genetics (formerly Invitae), Labcorp
Classification: Uncertain significance for Mucopolysaccharidosis, MPS-II. Last evaluated: 2022-05-27. Review status: criteria provided, single submitter. Criteria: Invitae Variant Classification Sherloc (09022015). Collection method: clinical testing. Allele origin: germline.
Comment: This sequence change replaces aspartic acid, which is acidic and polar, with asparagine, which is neutral and polar, at codon 56 of the IDS protein (p.Asp56Asn). This variant is not present in population databases (gnomAD no frequency). This variant has not been reported in the literature in individuals affected with IDS-related conditions. Algorithms developed to predict the effect of missense changes on protein structure and function output the following: SIFT: "Deleterious"; PolyPhen-2: "Benign"; Align-GVGD: "Class C0". The asparagine amino acid residue is found in multiple mammalian species, which suggests that this missense change does not adversely affect protein function. In summary, the available evidence is currently insufficient to determine the role of this variant in disease. Therefore, it has been classified as a Variant of Uncertain Significance.

NM_000202.8(IDS):c.166G>A (p.Asp56Asn)

Gene: IDS (iduronate 2-sulfatase; minus strand). Cytogenetic location: Xq28.
Variant type: single nucleotide variant.
Coding change: c.166G>A on transcript NM_000202.8 (MANE Select); coding-DNA position 166, G replaced by A.
Protein change: p.Asp56Asn; replaces aspartic acid 56 with asparagine.
Molecular consequence: missense variant. On other transcripts: 5 prime UTR variant (1), non-coding transcript variant (1).
Genome position (GRCh38, 1-based): chrX:149,504,231, C>T on the plus strand (G>A on the coding strand, the complement: IDS is on the minus strand). VCF-style: chrX-149504231-C-T. GRCh37 (hg19) VCF-style: chrX-148585761-C-T.
Other names: c.-61G>A (NM_001166550.4); c.166G>A, p.Asp56Asn (NM_006123.5); short protein forms D56N.
Identifiers: ClinVar variation 1896057 (VCV001896057.2), dbSNP rs781919816, ClinGen allele CA414527612.